The following is an entry in ClinVar:

ClinVar aggregate classification (germline): Pathogenic (1 of 4 stars; one submission).

Conditions:
Autosomal recessive limb-girdle muscular dystrophy. Identifiers: Orphanet 102015, MedGen C2931907, MONDO:0015152.

Submission:

Myriad Genetics, Inc.
Classification: Pathogenic for Autosomal recessive limb-girdle muscular dystrophy. Last evaluated: 2024-11-11. Review status: criteria provided, single submitter. Criteria: Myriad Autosomal Dominant, Autosomal Recessive and X-Linked Classification Criteria (2023). Collection method: clinical testing. Allele origin: unknown.
Comment: NM_003494.3(DYSF):c.2223C>G(Y741*) is expected to be pathogenic in the context of dysferlinopathy. This variant is predicted to lead to an abnormal or absent protein product due to the creation of a premature termination codon in DYSF, a gene where loss-of-function variants are known to be pathogenic. Please note: this variant was assessed in the context of healthy population screening.

NM_001130987.2(DYSF):c.2277C>G (p.Tyr759Ter)

Gene: DYSF (dysferlin; plus strand). Cytogenetic location: 2p13.2.
Variant type: single nucleotide variant.
Coding change: c.2277C>G on transcript NM_001130987.2 (MANE Select); coding-DNA position 2277, C replaced by G.
Protein change: p.Tyr759Ter; replaces tyrosine 759 with a stop codon.
Molecular consequence: nonsense.
Genome position (GRCh38, 1-based): chr2:71,561,812, C>G. VCF-style: chr2-71561812-C-G. GRCh37 (hg19) VCF-style: chr2-71788942-C-G.
Other names: c.2226C>G, p.Tyr742Ter (NM_001130455.2, NM_001130983.2); c.2181C>G, p.Tyr727Ter (NM_001130976.2, NM_001130977.2); c.2223C>G, p.Tyr741Ter (NM_001130978.2, NM_003494.4); c.2316C>G, p.Tyr772Ter (NM_001130979.2); c.2274C>G, p.Tyr758Ter (NM_001130980.2, NM_001130981.2); c.2319C>G, p.Tyr773Ter (NM_001130982.2); c.2184C>G, p.Tyr728Ter (NM_001130984.2, NM_001130986.2); c.2277C>G, p.Tyr759Ter (NM_001130985.2); short protein forms Y727*, Y728*, Y741*, Y742*, Y758*, Y759*, Y772*, Y773*.
Identifiers: ClinVar variation 5013731 (VCV005013731.1).